The following is an entry in ClinVar:

ClinVar aggregate classification (germline): Uncertain significance (1 of 4 stars; one submission).

Allele frequency attached by ClinVar (database versions not stated): TOPMed below 0.00001; gnomAD 0.00001.

Submission:

Labcorp Genetics (formerly Invitae), Labcorp
Classification: Uncertain significance. Last evaluated: 2023-12-13. Review status: criteria provided, single submitter. Criteria: Invitae Variant Classification Sherloc (09022015). Collection method: clinical testing. Allele origin: germline.
Comment: This sequence change replaces arginine, which is basic and polar, with leucine, which is neutral and non-polar, at codon 49 of the GRIN2D protein (p.Arg49Leu). The frequency data for this variant in the population databases is considered unreliable, as metrics indicate insufficient coverage at this position in the gnomAD database. This variant has not been reported in the literature in individuals affected with GRIN2D-related conditions. Advanced modeling of protein sequence and biophysical properties (such as structural, functional, and spatial information, amino acid conservation, physicochemical variation, residue mobility, and thermodynamic stability) performed at Invitae indicates that this missense variant is not expected to disrupt GRIN2D protein function with a negative predictive value of 95%. In summary, the available evidence is currently insufficient to determine the role of this variant in disease. Therefore, it has been classified as a Variant of Uncertain Significance.

NM_000836.4(GRIN2D):c.146G>T (p.Arg49Leu)

Genes: GRIN2D (glutamate ionotropic receptor NMDA type subunit 2D; plus strand), LOC130064855 (ATAC-STARR-seq lymphoblastoid silent region 10879; plus strand). Cytogenetic location: 19q13.33.
Variant type: single nucleotide variant.
Coding change: c.146G>T on transcript NM_000836.4 (MANE Select); coding-DNA position 146, G replaced by T.
Protein change: p.Arg49Leu; replaces arginine 49 with leucine.
Molecular consequence: missense variant.
Genome position (GRCh38, 1-based): chr19:48,398,538, G>T. VCF-style: chr19-48398538-G-T. GRCh37 (hg19) VCF-style: chr19-48901795-G-T.
Other names: short protein forms R49L.
Identifiers: ClinVar variation 2989884 (VCV002989884.3), dbSNP rs1970670485, ClinGen allele CA406688375.